The following is an entry in ClinVar:

ClinVar aggregate classification (germline): Uncertain significance (1 of 4 stars; one submission).

Allele frequency attached by ClinVar (database versions not stated): gnomAD exomes below 0.00001.
gnomAD v4.1: 1 of 1,613,650 alleles (0.000062%); highest among the groups gnomAD compares: Non-Finnish European, 0.000085%; no homozygotes.

Submission:

Labcorp Genetics (formerly Invitae), Labcorp
Classification: Uncertain significance. Last evaluated: 2023-02-19. Review status: criteria provided, single submitter. Criteria: Invitae Variant Classification Sherloc (09022015). Collection method: clinical testing. Allele origin: germline.
Comment: This variant has not been reported in the literature in individuals affected with ROR2-related conditions. This variant is not present in population databases (gnomAD no frequency). This sequence change replaces isoleucine, which is neutral and non-polar, with methionine, which is neutral and non-polar, at codon 73 of the ROR2 protein (p.Ile73Met). Advanced modeling of protein sequence and biophysical properties (such as structural, functional, and spatial information, amino acid conservation, physicochemical variation, residue mobility, and thermodynamic stability) performed at Invitae indicates that this missense variant is not expected to disrupt ROR2 protein function. In summary, the available evidence is currently insufficient to determine the role of this variant in disease. Therefore, it has been classified as a Variant of Uncertain Significance.

NM_004560.4(ROR2):c.219T>G (p.Ile73Met)

Gene: ROR2 (receptor tyrosine kinase like orphan receptor 2; minus strand). Cytogenetic location: 9q22.31.
Variant type: single nucleotide variant.
Coding change: c.219T>G on transcript NM_004560.4 (MANE Select); coding-DNA position 219, T replaced by G.
Protein change: p.Ile73Met; replaces isoleucine 73 with methionine.
Molecular consequence: missense variant.
Genome position (GRCh38, 1-based): chr9:91,757,516, A>C on the plus strand (T>G on the coding strand, the complement: ROR2 is on the minus strand). VCF-style: chr9-91757516-A-C. GRCh37 (hg19) VCF-style: chr9-94519798-A-C.
Other names: c.219T>G, p.Ile73Met (NM_001318204.2); short protein forms I73M.
Identifiers: ClinVar variation 2801256 (VCV002801256.3), dbSNP rs1043796672, ClinGen allele CA195975359.